The following is an entry in ClinVar:

ClinVar aggregate classification (germline): Uncertain significance. Review status: criteria provided, multiple submitters, no conflicts (2 of 4 stars). 3 submissions from 3 submitters: Uncertain significance (3). Last evaluated 2024-10-13.

Conditions:
Cardiovascular phenotype. Identifiers: MedGen CN230736.
Hereditary cancer-predisposing syndrome. Also called: Hereditary neoplastic syndrome; Neoplastic Syndromes, Hereditary; Tumor predisposition; Hereditary Cancer Syndrome. Identifiers: Orphanet 140162, MedGen C0027672, MeSH D009386, MONDO:0015356.
Neurofibromatosis, type 1 (NF1). Also called: VON RECKLINGHAUSEN DISEASE; Peripheral type neurofibromatosis; NEUROFIBROMATOSIS, TYPE I, SOMATIC; Neurofibromatosis, type I. Identifiers: Orphanet 636, MedGen C0027831, MONDO:0018975, OMIM 162200. Disease mechanism: loss of function.

Allele frequency attached by ClinVar (database versions not stated): gnomAD exomes below 0.00001.
gnomAD v4.1: 1 of 1,598,634 alleles (0.000063%); highest among the groups gnomAD compares: Non-Finnish European, 0.000086%; no homozygotes.

Submissions (3):

Labcorp Genetics (formerly Invitae), Labcorp
Classification: Uncertain significance for Neurofibromatosis, type 1. Last evaluated: 2024-10-13. Review status: criteria provided, single submitter. Criteria: Invitae Variant Classification Sherloc (09022015). Collection method: clinical testing. Allele origin: germline.
Comment: This sequence change replaces methionine, which is neutral and non-polar, with threonine, which is neutral and polar, at codon 242 of the NF1 protein (p.Met242Thr). This variant is not present in population databases (gnomAD no frequency). This missense change has been observed in individual(s) with breast cancer (PMID: 30287823). ClinVar contains an entry for this variant (Variation ID: 481950). Invitae Evidence Modeling of protein sequence and biophysical properties (such as structural, functional, and spatial information, amino acid conservation, physicochemical variation, residue mobility, and thermodynamic stability) has been performed for this missense variant. However, the output from this modeling did not meet the statistical confidence thresholds required to predict the impact of this variant on NF1 protein function. In summary, the available evidence is currently insufficient to determine the role of this variant in disease. Therefore, it has been classified as a Variant of Uncertain Significance.

Ambry Genetics
Classification: Uncertain significance for Cardiovascular phenotype; Hereditary cancer-predisposing syndrome. Last evaluated: 2023-05-15. Review status: criteria provided, single submitter. Criteria: Ambry Variant Classification Scheme 2023. Collection method: clinical testing. Allele origin: germline.
Comment: The p.M242T variant (also known as c.725T>C), located in coding exon 7 of the NF1 gene, results from a T to C substitution at nucleotide position 725. The methionine at codon 242 is replaced by threonine, an amino acid with similar properties. This alteration was observed in with an allele frequency of 0.00014 in 7,051 unselected female breast cancer patients and was observed with an allele frequency of 0 in 11,241 female controls of Japanese ancestry; it was not observed in unselected male breast cancer patients or male controls in this cohort (Momozawa Y et al. Nat Commun. 2018 10;9:4083). This amino acid position is highly conserved in available vertebrate species. In addition, this alteration is predicted to be deleterious by in silico analysis. Since supporting evidence is limited at this time, the clinical significance of this alteration remains unclear.

Genome-Nilou Lab
Classification: Uncertain significance for Neurofibromatosis, type 1. Last evaluated: 2022-03-15. Review status: criteria provided, single submitter. Criteria: ACMG Guidelines, 2015. Collection method: clinical testing. Allele origin: germline. Affected: no.

Literature cited by the submitters: PubMed 30287823 (cited by Labcorp Genetics (formerly Invitae), Labcorp).

NM_001042492.3(NF1):c.725T>C (p.Met242Thr)

Gene: NF1 (neurofibromin 1; plus strand). Cytogenetic location: 17q11.2.
Variant type: single nucleotide variant.
Coding change: c.725T>C on transcript NM_001042492.3 (MANE Select); coding-DNA position 725, T replaced by C.
Protein change: p.Met242Thr; replaces methionine 242 with threonine.
Molecular consequence: missense variant.
Genome position (GRCh38, 1-based): chr17:31,181,780, T>C. VCF-style: chr17-31181780-T-C. GRCh37 (hg19) VCF-style: chr17-29508798-T-C.
Other names: c.725T>C, p.Met242Thr (NM_000267.4, NM_001128147.3); short protein forms M242T.
Identifiers: ClinVar variation 481950 (VCV000481950.13), dbSNP rs1555608765, ClinGen allele CA398990214.